The following is an entry in ClinVar:

NM_001830.4(CLCN4):c.586del (p.Arg196fs)

Gene: CLCN4 (chloride voltage-gated channel 4; plus strand). Cytogenetic location: Xp22.2.
Variant type: Deletion.
Coding change: c.586del on transcript NM_001830.4 (MANE Select); coding-DNA position 586, one base deleted (A; older notation c.586delA).
Protein change: p.Arg196fs; shifts the reading frame from arginine 196.
Molecular consequence: frameshift variant.
Genome position (GRCh38, 1-based): chrX:10,206,388, A deleted. VCF-style (leftmost placement, unchanged base first): chrX-10206387-CA-C. GRCh37 (hg19) VCF-style: chrX-10174427-CA-C.
Other names: c.304del, p.Arg102fs (NM_001256944.2); short protein forms R102fs, R196fs.
Identifiers: ClinVar variation 3651445 (VCV003651445.2).

ClinVar aggregate classification (germline): Pathogenic (1 of 4 stars; one submission).

Submission:

Labcorp Genetics (formerly Invitae), Labcorp
Classification: Pathogenic. Last evaluated: 2024-04-29. Review status: criteria provided, single submitter. Criteria: Invitae Variant Classification Sherloc (09022015). Collection method: clinical testing. Allele origin: germline.
Comment: This sequence change creates a premature translational stop signal (p.Arg196Glyfs*10) in the CLCN4 gene. It is expected to result in an absent or disrupted protein product. Loss-of-function variants in CLCN4 are known to be pathogenic (PMID: 27550844). This variant is not present in population databases (gnomAD no frequency). This variant has not been reported in the literature in individuals affected with CLCN4-related conditions. For these reasons, this variant has been classified as Pathogenic.

Literature cited by the submitters: PubMed 27550844.